The following is an entry in ClinVar:

NM_000548.5(TSC2):c.2143G>A (p.Glu715Lys)

Gene: TSC2 (TSC complex subunit 2; plus strand). Cytogenetic location: 16p13.3.
Variant type: single nucleotide variant.
Coding change: c.2143G>A on transcript NM_000548.5 (MANE Select); coding-DNA position 2143, G replaced by A.
Protein change: p.Glu715Lys; replaces glutamic acid 715 with lysine.
Molecular consequence: missense variant.
Genome position (GRCh38, 1-based): chr16:2,072,286, G>A. VCF-style: chr16-2072286-G-A. GRCh37 (hg19) VCF-style: chr16-2122287-G-A.
Other names: c.2143G>A, p.Glu715Lys (NM_001077183.3, NM_001114382.3, NM_001363528.2 and 3 more transcripts); c.2032G>A, p.Glu678Lys (NM_001318827.2); c.1996G>A, p.Glu666Lys (NM_001318829.2); c.1543G>A, p.Glu515Lys (NM_001318831.2); c.2176G>A, p.Glu726Lys (NM_001318832.2); short protein forms E515K, E678K, E726K, E666K, E715K.
Identifiers: ClinVar variation 1498734 (VCV001498734.8), dbSNP rs1292305111, ClinGen allele CA394274834.

ClinVar aggregate classification (germline): Uncertain significance (1 of 4 stars; one submission).

Conditions:
Tuberous sclerosis 2 (TSC2). Identifiers: Orphanet 805, MedGen C1860707, MONDO:0013199, OMIM 613254.

Allele frequency attached by ClinVar (database versions not stated): TOPMed 0.00001.

Submission:

Labcorp Genetics (formerly Invitae), Labcorp
Classification: Uncertain significance for Tuberous sclerosis 2. Last evaluated: 2023-07-17. Review status: criteria provided, single submitter. Criteria: Invitae Variant Classification Sherloc (09022015). Collection method: clinical testing. Allele origin: germline.
Comment: In summary, the available evidence is currently insufficient to determine the role of this variant in disease. Therefore, it has been classified as a Variant of Uncertain Significance. This sequence change replaces glutamic acid, which is acidic and polar, with lysine, which is basic and polar, at codon 715 of the TSC2 protein (p.Glu715Lys). This variant is not present in population databases (gnomAD no frequency). This variant has not been reported in the literature in individuals affected with TSC2-related conditions. ClinVar contains an entry for this variant (Variation ID: 1498734). Advanced modeling of protein sequence and biophysical properties (such as structural, functional, and spatial information, amino acid conservation, physicochemical variation, residue mobility, and thermodynamic stability) performed at Invitae indicates that this missense variant is not expected to disrupt TSC2 protein function.